The following is an entry in ClinVar:

ClinVar aggregate classification (germline): Uncertain significance (1 of 4 stars; one submission).

Submission:

Labcorp Genetics (formerly Invitae), Labcorp
Classification: Uncertain significance. Last evaluated: 2022-02-05. Review status: criteria provided, single submitter. Criteria: Invitae Variant Classification Sherloc (09022015). Collection method: clinical testing. Allele origin: germline.
Comment: This sequence change replaces glycine, which is neutral and non-polar, with aspartic acid, which is acidic and polar, at codon 334 of the TBCK protein (p.Gly334Asp). This variant is not present in population databases (gnomAD no frequency). This variant has not been reported in the literature in individuals affected with TBCK-related conditions. Algorithms developed to predict the effect of missense changes on protein structure and function are either unavailable or do not agree on the potential impact of this missense change (SIFT: "Deleterious"; PolyPhen-2: "Probably Damaging"; Align-GVGD: "Class C0"). In summary, the available evidence is currently insufficient to determine the role of this variant in disease. Therefore, it has been classified as a Variant of Uncertain Significance.

NM_001163435.3(TBCK):c.1001G>A (p.Gly334Asp)

Gene: TBCK (TBC1 domain containing kinase; minus strand). Cytogenetic location: 4q24.
Variant type: single nucleotide variant.
Coding change: c.1001G>A on transcript NM_001163435.3 (MANE Select); coding-DNA position 1001, G replaced by A.
Protein change: p.Gly334Asp; replaces glycine 334 with aspartic acid.
Molecular consequence: missense variant.
Genome position (GRCh38, 1-based): chr4:106,244,695, C>T on the plus strand (G>A on the coding strand, the complement: TBCK is on the minus strand). VCF-style: chr4-106244695-C-T. GRCh37 (hg19) VCF-style: chr4-107165852-C-T.
Other names: c.1001G>A, p.Gly334Asp (NM_001163436.4); c.884G>A, p.Gly295Asp (NM_001163437.3); c.485G>A, p.Gly162Asp (NM_001290768.2); c.812G>A, p.Gly271Asp (NM_033115.5); short protein forms G295D, G162D, G271D, G334D.
Identifiers: ClinVar variation 1502588 (VCV001502588.5), dbSNP rs1760564673, ClinGen allele CA357824028.
Genomic context (GRCh38, chr4:106,244,695, plus strand): 5'-GTGCAGATAGGTGGTTTGGATCGAATGATTTCCTTGTTGACAAGCTCTTTCTCCAAGTCA[C>T]CTCCAGCCAAACACCAAAGGTAATACACTTCTTCAATAGATCTTTCTGCCAGGTAATCAT-3'
Protein context (NP_001156907.2, residues 324-344): EVYYLWCLAG[Gly334Asp]DLEKELVNKE